The following is an entry in ClinVar:

ClinVar aggregate classification (germline): Pathogenic (1 of 4 stars; one submission).

Submission:

Labcorp Genetics (formerly Invitae), Labcorp
Classification: Pathogenic. Last evaluated: 2023-09-22. Review status: criteria provided, single submitter. Criteria: Invitae Variant Classification Sherloc (09022015). Collection method: clinical testing. Allele origin: germline.
Comment: For these reasons, this variant has been classified as Pathogenic. This variant has not been reported in the literature in individuals affected with COL9A3-related conditions. This variant is not present in population databases (gnomAD no frequency). This sequence change creates a premature translational stop signal (p.Gly349*) in the COL9A3 gene. It is expected to result in an absent or disrupted protein product. Loss-of-function variants in COL9A3 are known to be pathogenic (PMID: 24273071, 31090205).

Literature cited by the submitters: PubMed 24273071; PubMed 31090205.

NM_001853.4(COL9A3):c.1045G>T (p.Gly349Ter)

Gene: COL9A3 (collagen type IX alpha 3 chain; plus strand). Cytogenetic location: 20q13.33.
Variant type: single nucleotide variant.
Coding change: c.1045G>T on transcript NM_001853.4 (MANE Select); coding-DNA position 1045, G replaced by T.
Protein change: p.Gly349Ter; replaces glycine 349 with a stop codon.
Molecular consequence: nonsense.
Genome position (GRCh38, 1-based): chr20:62,829,491, G>T. VCF-style: chr20-62829491-G-T. GRCh37 (hg19) VCF-style: chr20-61460843-G-T.
Other names: short protein forms G349*.
Identifiers: ClinVar variation 2868742 (VCV002868742.3), dbSNP rs2516057594, ClinGen allele CA409593385.
Genomic context (GRCh38, chr20:62,829,491, plus strand): 5'-TGACCGCAAGCTCTCTCCTGGCAGGGCCTCCCTGGACGAGCGGGGTCCAAAGGCGAGAAG[G>T]GAGAACGGGTATGTGGCTGCAGCCGCTTTCTCTCTGGGAGGGGAGGCGAGGGGCCGGGAG-3'